The following is an entry in ClinVar:

NM_004656.4(BAP1):c.38G>A (p.Gly13Asp)

Gene: BAP1 (BRCA1 associated deubiquitinase 1; minus strand). Cytogenetic location: 3p21.1.
Variant type: single nucleotide variant.
Coding change: c.38G>A on transcript NM_004656.4 (MANE Select); coding-DNA position 38, G replaced by A.
Protein change: p.Gly13Asp; replaces glycine 13 with aspartic acid.
Molecular consequence: missense variant.
Genome position (GRCh38, 1-based): chr3:52,409,743, C>T on the plus strand (G>A on the coding strand, the complement: BAP1 is on the minus strand). VCF-style: chr3-52409743-C-T. GRCh37 (hg19) VCF-style: chr3-52443759-C-T.
Other names: c.38G>A, p.Gly13Asp (NM_001410772.1); short protein forms G13D.
Identifiers: ClinVar variation 1736003 (VCV001736003.5), dbSNP rs2153228635, ClinGen allele CA353114998.

ClinVar aggregate classification (germline): Uncertain significance. Review status: criteria provided, multiple submitters, no conflicts (2 of 4 stars). 2 submissions from 2 submitters: Uncertain significance (2). Last evaluated 2023-05-15.

Conditions:
Hereditary cancer-predisposing syndrome. Also called: Neoplastic Syndromes, Hereditary; Tumor predisposition; Hereditary Cancer Syndrome; Hereditary neoplastic syndrome. Identifiers: Orphanet 140162, MedGen C0027672, MeSH D009386, MONDO:0015356.
BAP1-related tumor predisposition syndrome (TPDS1). Also called: Tumor susceptibility linked to germline BAP1 mutations; COMMON Syndrome; TUMOR PREDISPOSITION SYNDROME 1; BAP1 tumor predisposition syndrome. Identifiers: Orphanet 289539, MedGen C3280492, MONDO:0013692, OMIM 614327.

Submissions (2):

Labcorp Genetics (formerly Invitae), Labcorp
Classification: Uncertain significance for BAP1-related tumor predisposition syndrome. Last evaluated: 2023-05-15. Review status: criteria provided, single submitter. Criteria: Invitae Variant Classification Sherloc (09022015). Collection method: clinical testing. Allele origin: germline.
Comment: This sequence change replaces glycine, which is neutral and non-polar, with aspartic acid, which is acidic and polar, at codon 13 of the BAP1 protein (p.Gly13Asp). This variant is not present in population databases (gnomAD no frequency). This variant has not been reported in the literature in individuals affected with BAP1-related conditions. ClinVar contains an entry for this variant (Variation ID: 1736003). An algorithm developed to predict the effect of missense changes on protein structure and function (PolyPhen-2) suggests that this variant is likely to be disruptive. In summary, the available evidence is currently insufficient to determine the role of this variant in disease. Therefore, it has been classified as a Variant of Uncertain Significance.

Ambry Genetics
Classification: Uncertain significance for Hereditary cancer-predisposing syndrome. Last evaluated: 2022-07-12. Review status: criteria provided, single submitter. Criteria: Ambry Variant Classification Scheme 2023. Collection method: clinical testing. Allele origin: germline.
Comment: The p.G13D variant (also known as c.38G>A) is located in coding exon 2 of the BAP1 gene. The glycine at codon 13 is replaced by aspartic acid, an amino acid with similar properties. This change occurs in the first base pair of coding exon 2. This amino acid position is highly conserved in available vertebrate species. In addition, this alteration is predicted to be deleterious by in silico analysis. Since supporting evidence is limited at this time, the clinical significance of this alteration remains unclear.